The following is an entry in ClinVar:

NM_053025.4(MYLK):c.1123G>A (p.Ala375Thr)

Gene: MYLK (myosin light chain kinase; minus strand). Cytogenetic location: 3q21.1.
Variant type: single nucleotide variant.
Coding change: c.1123G>A on transcript NM_053025.4 (MANE Select); coding-DNA position 1123, G replaced by A.
Protein change: p.Ala375Thr; replaces alanine 375 with threonine.
Molecular consequence: missense variant.
Genome position (GRCh38, 1-based): chr3:123,733,873, C>T on the plus strand (G>A on the coding strand, the complement: MYLK is on the minus strand). VCF-style: chr3-123733873-C-T. GRCh37 (hg19) VCF-style: chr3-123452720-C-T.
Other names: c.595G>A, p.Ala199Thr (NM_001321309.2); c.1123G>A, p.Ala375Thr (NM_053026.4, NM_053027.4, NM_053028.4); short protein forms A375T, A199T.
Identifiers: ClinVar variation 577163 (VCV000577163.12), dbSNP rs374894375, ClinGen allele CA066700.

ClinVar aggregate classification (germline): Uncertain significance. Review status: criteria provided, multiple submitters, no conflicts (2 of 4 stars). 4 submissions from 4 submitters: Uncertain significance (4). Last evaluated 2026-01-13.

Conditions:
Aortic aneurysm, familial thoracic 7 (AAT7). Also called: AORTIC DISSECTION, FAMILIAL, WITH OR WITHOUT AORTIC ANEURYSM. Identifiers: MedGen C3151077, MONDO:0013418, OMIM 613780.
Familial thoracic aortic aneurysm and aortic dissection (TAAD). Also called: Thoracic aortic aneurysms and dissections. Identifiers: Orphanet 91387, MedGen C4707243, MONDO:0019625.

Allele frequency attached by ClinVar (database versions not stated): gnomAD exomes below 0.00001; TOPMed 0.00002; ExAC 0.00001.
gnomAD v4.1: 12 of 1,614,122 alleles (0.00074%); highest among the groups gnomAD compares: East Asian, 0.0067%; no homozygotes.

Submissions (4):

GeneDx
Classification: Uncertain significance. Last evaluated: 2026-01-13. Review status: criteria provided, single submitter. Criteria: GeneDx Variant Classification Process June 2021. Collection method: clinical testing. Allele origin: germline.
Comment: Has not been previously published as pathogenic or benign to our knowledge; Not observed at significant frequency in large population cohorts (gnomAD); In silico analysis suggests that this missense variant does not alter protein structure/function

Ambry Genetics
Classification: Uncertain significance for Familial thoracic aortic aneurysm and aortic dissection. Last evaluated: 2022-11-17. Review status: criteria provided, single submitter. Criteria: Ambry Variant Classification Scheme 2023. Collection method: clinical testing. Allele origin: germline.
Comment: The p.A375T variant (also known as c.1123G>A), located in coding exon 7 of the MYLK gene, results from a G to A substitution at nucleotide position 1123. The alanine at codon 375 is replaced by threonine, an amino acid with similar properties. This amino acid position is conserved. In addition, this alteration is predicted to be tolerated by in silico analysis. Since supporting evidence is limited at this time, the clinical significance of this alteration remains unclear.

Revvity Omics, Revvity
Classification: Uncertain significance. Last evaluated: 2022-09-02. Review status: criteria provided, single submitter. Criteria: ACMG Guidelines, 2015. Collection method: clinical testing. Allele origin: germline.

Labcorp Genetics (formerly Invitae), Labcorp
Classification: Uncertain significance for Aortic aneurysm, familial thoracic 7. Last evaluated: 2021-08-31. Review status: criteria provided, single submitter. Criteria: Invitae Variant Classification Sherloc (09022015). Collection method: clinical testing. Allele origin: germline.
Comment: This sequence change replaces alanine with threonine at codon 375 of the MYLK protein (p.Ala375Thr). The alanine residue is highly conserved and there is a small physicochemical difference between alanine and threonine. This variant is present in population databases (rs374894375, ExAC 0.01%). This variant has not been reported in the literature in individuals affected with MYLK-related conditions. Algorithms developed to predict the effect of missense changes on protein structure and function output the following: SIFT: "Tolerated"; PolyPhen-2: "Possibly Damaging"; Align-GVGD: "Class C0". The threonine amino acid residue is found in multiple mammalian species, which suggests that this missense change does not adversely affect protein function. In summary, the available evidence is currently insufficient to determine the role of this variant in disease. Therefore, it has been classified as a Variant of Uncertain Significance.